The following is an entry in ClinVar:

NM_001356.5(DDX3X):c.103+4_103+7del

Gene: DDX3X (DEAD-box helicase 3 X-linked; plus strand). Cytogenetic location: Xp11.4.
Variant type: Microsatellite.
Coding change: c.103+4_103+7del on transcript NM_001356.5 (MANE Select); bases 4 to 7 of the intron after coding-DNA position 103, 4 bases deleted (AGTA; older notation c.103+4_103+7delAGTA).
Molecular consequence: splice donor variant.
Genome position (GRCh38, 1-based): chrX:41,337,469-41,337,472, AGTA deleted; deleting any 4 consecutive bases within chrX:41,337,465-41,337,472 gives the same sequence; the c. name uses the placement nearest the transcript's 3' end. VCF-style (leftmost placement, unchanged base first): chrX-41337464-CAGTA-C. GRCh37 (hg19) VCF-style: chrX-41196717-CAGTA-C.
Other names: c.103+4_103+7del (NM_001193416.3, NM_001193417.3); c.-1801+4_-1801+7del (NM_001363819.1).
Identifiers: ClinVar variation 3381920 (VCV003381920.2).
Genomic context (GRCh38, chrX:41,337,464, plus strand): 5'-CTAGTTTGCTGGCCTAGACCTGAACTCTTCAGATAATCAGAGTGGAGGAAGTACAGCCAG[CAGTA>C]AGTACAACATCTTGTGGGTTTATTGAATATTAGAGCTTAACATCTTAAGATTTCATTGGG-3'

ClinVar aggregate classification (germline): Uncertain significance (1 of 4 stars; one submission).

Conditions:
Intellectual disability, X-linked 102 (MRXSSB). Also called: Intellectual developmental disorder, X-linked syndromic, Snijders Blok type. Identifiers: Orphanet 457260, MedGen C5393299, MONDO:0010497, OMIM 300958.

Submission:

Juno Genomics, Hangzhou Juno Genomics, Inc
Classification: Uncertain significance for Intellectual disability, X-linked 102. Review status: criteria provided, single submitter. Criteria: ACMG Guidelines, 2015. Collection method: clinical testing. Allele origin: germline. Affected: yes.
Comment: Absent from controls (or at extremely low frequency if recessive) in Genome Aggregation Database, Exome Sequencing Project, 1000 Genomes Project, or Exome Aggregation Consortium.;Multiple lines of computational evidence support a deleterious effect on the gene or gene product (conservation, evolutionary, splicing impact, etc).;Patient's phenotype or family history is highly specific for a disease with a single genetic etiology.